The following is an entry in ClinVar:

NM_006904.7(PRKDC):c.11232C>T (p.Asp3744=)

Gene: PRKDC (protein kinase, DNA-activated, catalytic subunit; minus strand). Cytogenetic location: 8q11.21.
Variant type: single nucleotide variant.
Coding change: c.11232C>T on transcript NM_006904.7 (MANE Select); coding-DNA position 11232, C replaced by T.
Protein change: p.Asp3744=; no amino-acid change (aspartic acid 3744 retained).
Molecular consequence: synonymous variant.
Genome position (GRCh38, 1-based): chr8:47,782,542, G>A on the plus strand (C>T on the coding strand, the complement: PRKDC is on the minus strand). VCF-style: chr8-47782542-G-A. GRCh37 (hg19) VCF-style: chr8-48695103-G-A.
Other names: c.11232C>T, p.Asp3744= (NM_001081640.2).
Identifiers: ClinVar variation 757954 (VCV000757954.8), dbSNP rs369155664, ClinGen allele CA4739136.
Genomic context (GRCh38, chr8:47,782,542, plus strand): 5'-CACGCGCTGGTCCTGCCGCAGGTCCTCGCCACCCTTCACCAGGAAAGGGTGTTCCCTCTC[G>A]TCATGGCCACGGATGATGATGCGCTTGGGCCTTCGCAGAGACGCCATGACTGTCACCTTC-3'
Protein context (NP_008835.5, residues 3734-3754): RPKRIIIRGH[Asp3744=]EREHPFLVKG

ClinVar aggregate classification (germline): Likely benign. Review status: criteria provided, multiple submitters, no conflicts (2 of 4 stars). 2 submissions from 2 submitters: Likely benign (2). Last evaluated 2026-07-01.

Conditions:
Severe combined immunodeficiency due to DNA-PKcs deficiency. Also called: IMMUNODEFICIENCY 26 WITH NEUROLOGIC ABNORMALITIES; Immunodeficiency 26 with or without neurologic abnormalities. Identifiers: Orphanet 317425, MedGen C4014833, MONDO:0014423, OMIM 615966.

Allele frequency attached by ClinVar (database versions not stated): gnomAD 0.00008; gnomAD exomes 0.00008; ExAC 0.00009; TOPMed 0.00009; ESP Exome Variant Server 0.00016.
gnomAD v4.1: 193 of 1,574,568 alleles (0.012%); highest among the groups gnomAD compares: Admixed American, 0.024%; no homozygotes.

Submissions (2):

CeGaT Center for Human Genetics Tuebingen
Classification: Likely benign. Last evaluated: 2026-07-01. Review status: criteria provided, single submitter. Criteria: CeGaT Center For Human Genetics Tuebingen Variant Classification Criteria Version 2. Collection method: clinical testing. Allele origin: germline. Affected: yes. Observed: 1 variant allele.
Comment: PRKDC: BP4, BP7

Labcorp Genetics (formerly Invitae), Labcorp
Classification: Likely benign for Severe combined immunodeficiency due to DNA-PKcs deficiency. Last evaluated: 2026-01-19. Review status: criteria provided, single submitter. Criteria: Invitae Variant Classification Sherloc (09022015). Collection method: clinical testing. Allele origin: germline.